The following is an entry in ClinVar:

NM_003900.5(SQSTM1):c.954C>T (p.Ser318=)

Gene: SQSTM1 (sequestosome 1; plus strand). Cytogenetic location: 5q35.3.
Variant type: single nucleotide variant.
Coding change: c.954C>T on transcript NM_003900.5 (MANE Select); coding-DNA position 954, C replaced by T.
Protein change: p.Ser318=; no amino-acid change (serine 318 retained).
Molecular consequence: synonymous variant.
Genome position (GRCh38, 1-based): chr5:179,833,231, C>T. VCF-style: chr5-179833231-C-T. GRCh37 (hg19) VCF-style: chr5-179260231-C-T.
Other names: p.Ser318=; c.702C>T, p.Ser234= (NM_001142298.2, NM_001142299.2).
Identifiers: ClinVar variation 259192 (VCV000259192.26), dbSNP rs56092424, ClinGen allele CA3600738.

ClinVar aggregate classification (germline): Benign/Likely benign. Review status: criteria provided, multiple submitters, no conflicts (2 of 4 stars). 8 submissions from 8 submitters: Benign (6); Likely benign (1). 1 of the submissions does not count toward it. Last evaluated 2026-02-04.

Conditions:
Paget disease of bone 3. Identifiers: MedGen C4085252, MONDO:0008176, OMIM 167250.
Paget disease of bone 2, early-onset (PDB2). Also called: Paget disease of bone 2. Identifiers: MedGen C4085251, MONDO:0011183, OMIM 602080.
Frontotemporal dementia and/or amyotrophic lateral sclerosis 1 (FTDALS1). Also called: C9orf72 Frontotemporal Dementia and/or Amyotrophic Lateral Sclerosis; Frontotemporal dementia with motor neuron disease 1. Identifiers: Orphanet 275872, MedGen C5779877, MONDO:0007105, OMIM 105550.

Allele frequency attached by ClinVar (database versions not stated): 1000 Genomes Project 0.02776; 1000 Genomes Project 30x 0.02967; ExAC 0.03028; gnomAD 0.03576 and 0.03763; ESP Exome Variant Server 0.03588; TOPMed 0.03876.
gnomAD v4.1: 36,601 of 1,588,584 alleles (2.3%); highest among the groups gnomAD compares: African/African-American, 7.5%; 632 homozygotes.

Submissions (8):

Labcorp Genetics (formerly Invitae), Labcorp
Classification: Benign for Paget disease of bone 2, early-onset; Frontotemporal dementia and/or amyotrophic lateral sclerosis 1. Last evaluated: 2026-02-04. Review status: criteria provided, single submitter. Criteria: Invitae Variant Classification Sherloc (09022015). Collection method: clinical testing. Allele origin: germline.

Blueprint Genetics
Classification: Likely benign. Last evaluated: 2024-11-26. Review status: criteria provided, single submitter. Criteria: ACMG Guidelines, 2015. Collection method: clinical testing. Allele origin: germline.

Athena Diagnostics
Classification: Benign. Last evaluated: 2024-02-19. Review status: criteria provided, single submitter. Criteria: Athena Diagnostics Criteria. Collection method: clinical testing. Allele origin: unknown.

GeneDx
Classification: Benign. Last evaluated: 2018-09-07. Review status: criteria provided, single submitter. Criteria: GeneDx Variant Classification Process June 2021. Collection method: clinical testing. Allele origin: germline. Affected: yes.

Illumina Laboratory Services, Illumina
Classification: Benign for Paget disease of bone 3. Last evaluated: 2018-01-13. Review status: criteria provided, single submitter. Criteria: ICSL Variant Classification Criteria 13 December 2019. Collection method: clinical testing. Allele origin: germline.
Comment: This variant was observed in the ICSL laboratory as part of a predisposition screen in an ostensibly healthy population. It had not been previously curated by ICSL or reported in the Human Gene Mutation Database (HGMD: prior to June 1st, 2018), and was therefore a candidate for classification through an automated scoring system. Utilizing variant allele frequency, disease prevalence and penetrance estimates, and inheritance mode, an automated score was calculated to assess if this variant is too frequent to cause the disease. Based on the score and internal cut-off values, a variant classified as benign is not then subjected to further curation. The score for this variant resulted in a classification of benign for this disease.

Mayo Clinic Laboratories, Mayo Clinic
Classification: Benign. Last evaluated: 2017-11-16. Review status: criteria provided, single submitter. Criteria: ACMG Guidelines, 2015. Collection method: clinical testing. Allele origin: germline. Observed: 141 variant alleles.

PreventionGenetics, part of Exact Sciences
Classification: Benign. Review status: criteria provided, single submitter. Criteria: ACMG Guidelines, 2015. Collection method: clinical testing. Allele origin: germline.

Genome Diagnostics Laboratory, Amsterdam University Medical Center
Classification: Likely benign for Paget disease of bone 2, early-onset. Last evaluated: 2016-11-24. Review status: no assertion criteria provided. Criteria: ACGS Guidelines, 2013. Collection method: clinical testing. Allele origin: germline. Affected: yes. Study: VKGL Data-share Consensus. Not counted in ClinVar's aggregate classification.